The following is an entry in ClinVar:

ClinVar aggregate classification (germline): Uncertain significance (1 of 4 stars; one submission).

Submission:

GeneDx
Classification: Uncertain significance. Last evaluated: 2024-02-06. Review status: criteria provided, single submitter. Criteria: GeneDx Variant Classification Process June 2021. Collection method: clinical testing. Allele origin: germline. Affected: yes.
Comment: Not observed at significant frequency in large population cohorts (gnomAD); In silico analysis supports that this missense variant has a deleterious effect on protein structure/function; Has not been previously published as pathogenic or benign to our knowledge

NM_004380.3(CREBBP):c.3859G>C (p.Gly1287Arg)

Gene: CREBBP (CREB binding protein; minus strand). Cytogenetic location: 16p13.3.
Variant type: single nucleotide variant.
Coding change: c.3859G>C on transcript NM_004380.3 (MANE Select); coding-DNA position 3859, G replaced by C.
Protein change: p.Gly1287Arg; replaces glycine 1287 with arginine.
Molecular consequence: missense variant.
Genome position (GRCh38, 1-based): chr16:3,745,332, C>G on the plus strand (G>C on the coding strand, the complement: CREBBP is on the minus strand). VCF-style: chr16-3745332-C-G. GRCh37 (hg19) VCF-style: chr16-3795333-C-G.
Other names: c.3745G>C, p.Gly1249Arg (NM_001079846.1); short protein forms G1249R, G1287R.
Identifiers: ClinVar variation 3368683 (VCV003368683.1).